The following is an entry in ClinVar:

ClinVar aggregate classification (germline): Uncertain significance (1 of 4 stars; one submission).

Submission:

GeneDx
Classification: Uncertain significance. Last evaluated: 2022-06-13. Review status: criteria provided, single submitter. Criteria: GeneDx Variant Classification Process June 2021. Collection method: clinical testing. Allele origin: germline. Affected: yes.
Comment: Not observed at significant frequency in large population cohorts (gnomAD); In silico analysis supports that this missense variant has a deleterious effect on protein structure/function; Has not been previously published as pathogenic or benign to our knowledge

NM_031407.7(HUWE1):c.371C>T (p.Ala124Val)

Gene: HUWE1 (HECT, UBA and WWE domain containing E3 ubiquitin protein ligase 1; minus strand). Cytogenetic location: Xp11.22.
Variant type: single nucleotide variant.
Coding change: c.371C>T on transcript NM_031407.7 (MANE Select); coding-DNA position 371, C replaced by T.
Protein change: p.Ala124Val; replaces alanine 124 with valine.
Molecular consequence: missense variant.
Genome position (GRCh38, 1-based): chrX:53,645,444, G>A on the plus strand (C>T on the coding strand, the complement: HUWE1 is on the minus strand). VCF-style: chrX-53645444-G-A. GRCh37 (hg19) VCF-style: chrX-53672396-G-A.
Other names: short protein forms A124V.
Identifiers: ClinVar variation 1804326 (VCV001804326.1), dbSNP rs2528791060, ClinGen allele CA413164382.